The following is an entry in ClinVar:

ClinVar aggregate classification (germline): Uncertain significance (1 of 4 stars; one submission).

Allele frequency attached by ClinVar (database versions not stated): gnomAD 0.00001; ExAC 0.00002; TOPMed 0.00002.
gnomAD v4.1: 2 of 1,613,758 alleles (0.00012%); highest among the groups gnomAD compares: African/African-American, 0.0027%; no homozygotes.

Submission:

Labcorp Genetics (formerly Invitae), Labcorp
Classification: Uncertain significance. Last evaluated: 2022-08-30. Review status: criteria provided, single submitter. Criteria: Invitae Variant Classification Sherloc (09022015). Collection method: clinical testing. Allele origin: germline.
Comment: This variant has not been reported in the literature in individuals affected with CACNA2D4-related conditions. This sequence change replaces threonine, which is neutral and polar, with alanine, which is neutral and non-polar, at codon 833 of the CACNA2D4 protein (p.Thr833Ala). This variant is present in population databases (rs771871208, gnomAD 0.01%). In summary, the available evidence is currently insufficient to determine the role of this variant in disease. Therefore, it has been classified as a Variant of Uncertain Significance. Algorithms developed to predict the effect of missense changes on protein structure and function (SIFT, PolyPhen-2, Align-GVGD) all suggest that this variant is likely to be tolerated.

NM_172364.5(CACNA2D4):c.2497A>G (p.Thr833Ala)

Gene: CACNA2D4 (calcium voltage-gated channel auxiliary subunit alpha2delta 4; minus strand). Cytogenetic location: 12p13.33.
Variant type: single nucleotide variant.
Coding change: c.2497A>G on transcript NM_172364.5 (MANE Select); coding-DNA position 2497, A replaced by G.
Protein change: p.Thr833Ala; replaces threonine 833 with alanine.
Molecular consequence: missense variant.
Genome position (GRCh38, 1-based): chr12:1,840,793, T>C on the plus strand (A>G on the coding strand, the complement: CACNA2D4 is on the minus strand). VCF-style: chr12-1840793-T-C. GRCh37 (hg19) VCF-style: chr12-1949959-T-C.
Other names: short protein forms T833A.
Identifiers: ClinVar variation 2093447 (VCV002093447.4), dbSNP rs771871208, ClinGen allele CA6386664.